The following is an entry in ClinVar:

NM_025114.4(CEP290):c.2638G>T (p.Ala880Ser)

Gene: CEP290 (centrosomal protein 290; minus strand). Cytogenetic location: 12q21.32.
Variant type: single nucleotide variant.
Coding change: c.2638G>T on transcript NM_025114.4 (MANE Select); coding-DNA position 2638, G replaced by T.
Protein change: p.Ala880Ser; replaces alanine 880 with serine.
Molecular consequence: missense variant.
Genome position (GRCh38, 1-based): chr12:88,106,854, C>A on the plus strand (G>T on the coding strand, the complement: CEP290 is on the minus strand). VCF-style: chr12-88106854-C-A. GRCh37 (hg19) VCF-style: chr12-88500631-C-A.
Other names: short protein forms A880S.
Identifiers: ClinVar variation 697728 (VCV000697728.21), dbSNP rs147362398, ClinGen allele CA6712294.

ClinVar aggregate classification (germline): Conflicting classifications of pathogenicity. Review status: criteria provided, conflicting classifications (1 of 4 stars). 11 submissions from 7 submitters: Uncertain significance (7); Likely benign (2). 2 of the submissions do not count toward it. Last evaluated 2026-02-01.

Conditions:
Kidney disorder. Also called: renal disorder; Nephropathy; Kidney disease; Kidney Diseases; renal disease. Identifiers: MedGen C0022658, MONDO:0005240, HP:0000112.
Retinal dystrophy. Also called: Inherited retinal dystrophy. Identifiers: Orphanet 71862, MedGen C0854723, MeSH D058499, MONDO:0019118, HP:0000556.
CEP290-related disorder. Also called: CEP290-related condition; CEP290-related disorders. Identifiers: MedGen CN239314.
Joubert syndrome. Also called: CEREBELLOPARENCHYMAL DISORDER IV; JOUBERT-BOLTSHAUSER SYNDROME; Familial aplasia of the vermis. Identifiers: Orphanet 475, MedGen C5979921, MONDO:0018772.
Meckel-Gruber syndrome. Also called: Dysencephalia splachnocystica; DYSENCEPHALIA SPLANCHNOCYSTICA; GRUBER SYNDROME. Identifiers: Orphanet 564, MedGen C0265215, MONDO:0018921.
Nephronophthisis. Also called: Juvenile Nephronophthisis. Identifiers: Orphanet 655, MedGen C0687120, MONDO:0019005, HP:0000090.
CEP290-related ciliopathy. Also called: CEP290 ciliopathy. Identifiers: MedGen CN305601, MONDO:0100451.
Meckel syndrome, type 4 (MKS4). Also called: MECKEL-GRUBER SYNDROME, TYPE 4. Identifiers: Orphanet 564, MedGen C1970161, MONDO:0012626, OMIM 611134.
Leber congenital amaurosis (LCA). Also called: Leber's amaurosis. Identifiers: Orphanet 65, MedGen C0339527, MeSH D057130, MONDO:0018998.
Bardet-Biedl syndrome 14 (BBS14). Identifiers: Orphanet 110, MedGen C2673874, MONDO:0014442, OMIM 615991.
Leber congenital amaurosis 10 (LCA10). Identifiers: Orphanet 65, MedGen C1857821, MONDO:0012723, OMIM 611755.
Senior-Loken syndrome 6 (SLSN6). Identifiers: Orphanet 3156, MedGen C1857779, MONDO:0012433, OMIM 610189.
Joubert syndrome 5 (JBTS5). Identifiers: Orphanet 2318, MedGen C1857780, MONDO:0012432, OMIM 610188.

Allele frequency attached by ClinVar (database versions not stated): gnomAD 0.00005 and 0.00011; TOPMed 0.00013; gnomAD exomes 0.00014 and 0.00016; ExAC 0.00020; 1000 Genomes Project 30x 0.00078; 1000 Genomes Project 0.00100.
gnomAD v4.1: 217 of 1,607,732 alleles (0.013%); highest among the groups gnomAD compares: East Asian, 0.47%; no homozygotes.

Submissions (11):

Labcorp Genetics (formerly Invitae), Labcorp
Classification: Likely benign for Joubert syndrome; Meckel-Gruber syndrome; Nephronophthisis. Last evaluated: 2026-02-01. Review status: criteria provided, single submitter. Criteria: Invitae Variant Classification Sherloc (09022015). Collection method: clinical testing. Allele origin: germline.

Dept Of Ophthalmology, Nagoya University
Classification: Likely benign for Retinal dystrophy. Last evaluated: 2023-10-01. Review status: criteria provided, single submitter. Criteria: Submitter's publication. Collection method: research. Allele origin: germline. Affected: yes.

Department of Pathology and Laboratory Medicine, Sinai Health System
Classification: Uncertain significance for CEP290-related ciliopathy. Last evaluated: 2022-11-08. Review status: criteria provided, single submitter. Criteria: ACMG Guidelines, 2015. Collection method: research. Allele origin: germline.

Illumina Laboratory Services, Illumina
Classification: Uncertain significance for Senior-Loken syndrome 6. Last evaluated: 2018-01-13. Review status: criteria provided, single submitter. Criteria: ICSL Variant Classification Criteria 13 December 2019. Collection method: clinical testing. Allele origin: germline.

Illumina Laboratory Services, Illumina
Classification: Uncertain significance for Joubert syndrome 5. Last evaluated: 2018-01-13. Review status: criteria provided, single submitter. Criteria: ICSL Variant Classification Criteria 13 December 2019. Collection method: clinical testing. Allele origin: germline.

Illumina Laboratory Services, Illumina
Classification: Uncertain significance for Leber congenital amaurosis 10. Last evaluated: 2018-01-13. Review status: criteria provided, single submitter. Criteria: ICSL Variant Classification Criteria 13 December 2019. Collection method: clinical testing. Allele origin: germline.

Illumina Laboratory Services, Illumina
Classification: Uncertain significance for Bardet-Biedl syndrome 14. Last evaluated: 2018-01-13. Review status: criteria provided, single submitter. Criteria: ICSL Variant Classification Criteria 13 December 2019. Collection method: clinical testing. Allele origin: germline.

Illumina Laboratory Services, Illumina
Classification: Uncertain significance for Meckel syndrome, type 4. Last evaluated: 2018-01-13. Review status: criteria provided, single submitter. Criteria: ICSL Variant Classification Criteria 13 December 2019. Collection method: clinical testing. Allele origin: germline.

Genome Diagnostics Laboratory, The Hospital for Sick Children
Classification: Uncertain significance for Kidney disorder. Last evaluated: 2016-12-12. Review status: criteria provided, single submitter. Criteria: ACMG Guidelines, 2015. Collection method: clinical testing. Allele origin: germline.

PreventionGenetics, part of Exact Sciences
Classification: Likely benign for CEP290-related condition. Last evaluated: 2022-02-24. Review status: no assertion criteria provided. Collection method: clinical testing. Allele origin: germline. Not counted in ClinVar's aggregate classification.
Comment: This variant is classified as likely benign based on ACMG/AMP sequence variant interpretation guidelines (Richards et al. 2015 PMID: 25741868, with internal and published modifications).

Natera, Inc.
Classification: Uncertain significance for Leber congenital amaurosis. Last evaluated: 2020-04-17. Review status: no assertion criteria provided. Collection method: clinical testing. Allele origin: germline. Not counted in ClinVar's aggregate classification.